The following is an entry in ClinVar:

ClinVar aggregate classification (germline): Pathogenic. Review status: criteria provided, multiple submitters, no conflicts (2 of 4 stars). 3 submissions from 3 submitters: Pathogenic (3). Last evaluated 2026-02-04.

Conditions:
Rare genetic deafness. Identifiers: Orphanet 96210, MedGen C5680250.
Usher syndrome type 1 (USH1). Also called: RETINITIS PIGMENTOSA AND CONGENITAL DEAFNESS. Identifiers: Orphanet 231169, Orphanet 886, MedGen C1568247, MONDO:0010168, OMIM 276900.

Allele frequency attached by ClinVar (database versions not stated): gnomAD 0.00001.
gnomAD v4.1: 1 of 1,606,162 alleles (0.000062%); highest among the groups gnomAD compares: Admixed American, 0.0017%; no homozygotes.

Submissions (3):

Myriad Genetics, Inc.
Classification: Pathogenic for Usher syndrome type 1. Last evaluated: 2026-02-04. Review status: criteria provided, single submitter. Criteria: Myriad Autosomal Dominant, Autosomal Recessive and X-Linked Classification Criteria (2023). Collection method: clinical testing. Allele origin: unknown.
Comment: NM_000260.3(MYO7A):c.1963C>T(Q655*) is a nonsense variant classified as pathogenic in the context of MYO7A-related disorders. Q655* has not been observed in cases with relevant disease. Relevant functional assessments of this variant are not available in the literature. Q655* has been observed in referenced population frequency databases. In summary, NM_000260.3(MYO7A):c.1963C>T(Q655*) is a nonsense variant in a gene where loss of function is a known mechanism of disease and is predicted to disrupt protein function. Please note: this variant was assessed in the context of healthy population screening.

Labcorp Genetics (formerly Invitae), Labcorp
Classification: Pathogenic. Last evaluated: 2023-08-04. Review status: criteria provided, single submitter. Criteria: Invitae Variant Classification Sherloc (09022015). Collection method: clinical testing. Allele origin: germline.
Comment: For these reasons, this variant has been classified as Pathogenic. ClinVar contains an entry for this variant (Variation ID: 43167). This variant has not been reported in the literature in individuals affected with MYO7A-related conditions. This variant is present in population databases (rs397516291, gnomAD 0.1%). This sequence change creates a premature translational stop signal (p.Gln655*) in the MYO7A gene. It is expected to result in an absent or disrupted protein product. Loss-of-function variants in MYO7A are known to be pathogenic (PMID: 8900236, 25404053).

Laboratory for Molecular Medicine, Mass General Brigham Personalized Medicine
Classification: Pathogenic for Rare genetic deafness. Last evaluated: 2012-01-27. Review status: criteria provided, single submitter. Criteria: LMM Criteria. Collection method: clinical testing. Allele origin: germline. Inheritance: Autosomal recessive inheritance. Observed: 3 variant alleles.
Comment: The Gln655X variant in MYO7A has not been reported in the literature nor previou sly identified by our laboratory. This nonsense variant leads to a premature ter mination codon at position 655, which is predicted to lead to a truncated or abs ent protein. In summary, this variant meets our criteria to be classified as pat hogenic.

Literature cited by the submitters: PubMed 8900236 (cited by Labcorp Genetics (formerly Invitae), Labcorp); PubMed 25404053 (cited by Labcorp Genetics (formerly Invitae), Labcorp).

NM_000260.4(MYO7A):c.1963C>T (p.Gln655Ter)

Gene: MYO7A (myosin VIIA; plus strand). Cytogenetic location: 11q13.5.
Variant type: single nucleotide variant.
Coding change: c.1963C>T on transcript NM_000260.4 (MANE Select); coding-DNA position 1963, C replaced by T.
Protein change: p.Gln655Ter; replaces glutamine 655 with a stop codon.
Molecular consequence: nonsense.
Genome position (GRCh38, 1-based): chr11:77,174,783, C>T. VCF-style: chr11-77174783-C-T. GRCh37 (hg19) VCF-style: chr11-76885829-C-T.
Other names: c.1963C>T, p.Gln655Ter (NM_001127180.2); c.1930C>T, p.Gln644Ter (NM_001369365.1); short protein forms Q655*, Q644*.
Identifiers: ClinVar variation 43167 (VCV000043167.15), dbSNP rs397516291, ClinGen allele CA278638.